The following is an entry in ClinVar:

NM_007294.4(BRCA1):c.301+11A>C

Gene: BRCA1 (BRCA1 DNA repair associated; minus strand). Cytogenetic location: 17q21.31.
Variant type: single nucleotide variant.
Coding change: c.301+11A>C on transcript NM_007294.4 (MANE Select); 11 bases into the intron after coding-DNA position 301, A replaced by C.
Molecular consequence: intron variant.
Genome position (GRCh38, 1-based): chr17:43,104,857, T>G on the plus strand (A>C on the coding strand, the complement: BRCA1 is on the minus strand). VCF-style: chr17-43104857-T-G. GRCh37 (hg19) VCF-style: chr17-41256874-T-G.
Other names: c.292+20A>C (NM_001407646.1, NM_001408408.1, NM_001407647.1); c.301+11A>C (NM_001408445.1, NM_001408432.1, NM_001407689.1 and 164 more transcripts); c.-81+11A>C (NM_001407965.1, NM_001407959.1, NM_001407962.1 and 4 more transcripts); c.160+11A>C (NM_001407930.1, NM_001407843.1, NM_001408456.1 and 99 more transcripts); c.91+11A>C (NM_001408482.1, NM_001407954.1, NM_001407896.1 and 58 more transcripts); c.223+11A>C (NM_001407874.1, NM_001408416.1, NM_001408414.1 and 21 more transcripts); c.-218-9997A>C (NM_001407967.1, NM_001407966.1); c.169+11A>C (NM_001408451.1).
Identifiers: ClinVar variation 496361 (VCV000496361.17), dbSNP rs1555596621, ClinGen allele CA658684088.

ClinVar aggregate classification (germline): Likely benign. Review status: criteria provided, multiple submitters, no conflicts (2 of 4 stars). 4 submissions from 4 submitters: Likely benign (4). Last evaluated 2025-10-05.

Conditions:
Hereditary breast ovarian cancer syndrome. Also called: Breast and ovarian cancer; BRCA1- and BRCA2-Associated Hereditary Breast and Ovarian Cancer; Hereditary breast and ovarian cancer syndrome (HBOC); Hereditary breast and ovarian cancer; Hereditary breast and/or ovarian cancer syndrome; Hereditary breast and ovarian cancer syndrome. Identifiers: Orphanet 145, MedGen C0677776, MeSH D061325, MONDO:0003582. Disease mechanism: loss of function.

Allele frequency attached by ClinVar (database versions not stated): gnomAD exomes below 0.00001.
gnomAD v4.1: 1 of 1,609,298 alleles (0.000062%); highest among the groups gnomAD compares: Non-Finnish European, 0.000085%; no homozygotes.

Submissions (4):

Labcorp Genetics (formerly Invitae), Labcorp
Classification: Likely benign for Hereditary breast ovarian cancer syndrome. Last evaluated: 2025-10-05. Review status: criteria provided, single submitter. Criteria: Invitae Variant Classification Sherloc (09022015). Collection method: clinical testing. Allele origin: germline.

Women's Health and Genetics/Laboratory Corporation of America, LabCorp
Classification: Likely benign. Last evaluated: 2024-12-11. Review status: criteria provided, single submitter. Criteria: LabCorp Variant Classification Summary - May 2015. Collection method: clinical testing. Allele origin: germline.

ARUP Laboratories, Molecular Genetics and Genomics, ARUP Laboratories
Classification: Likely benign. Last evaluated: 2021-12-20. Review status: criteria provided, single submitter. Criteria: ARUP Molecular Germline Variant Investigation Process 2021. Collection method: clinical testing. Allele origin: germline.

GeneDx
Classification: Likely benign. Last evaluated: 2017-06-09. Review status: criteria provided, single submitter. Criteria: GeneDx Variant Classification (06012015). Collection method: clinical testing. Allele origin: germline. Affected: yes.
Comment: This variant is considered likely benign or benign based on one or more of the following criteria: it is a conservative change, it occurs at a poorly conserved position in the protein, it is predicted to be benign by multiple in silico algorithms, and/or has population frequency not consistent with disease.